The following is an entry in ClinVar:

NM_018426.3(TMEM63B):c.1678G>C (p.Val560Leu)

Gene: TMEM63B (transmembrane protein 63B; plus strand). Cytogenetic location: 6p21.1.
Variant type: single nucleotide variant.
Coding change: c.1678G>C on transcript NM_018426.3 (MANE Select); coding-DNA position 1678, G replaced by C.
Protein change: p.Val560Leu; replaces valine 560 with leucine.
Molecular consequence: missense variant.
Genome position (GRCh38, 1-based): chr6:44,151,850, G>C. VCF-style: chr6-44151850-G-C. GRCh37 (hg19) VCF-style: chr6-44119587-G-C.
Other names: c.1678G>C, p.Val560Leu (NM_001318792.1); short protein forms V560L.
Identifiers: ClinVar variation 4083433 (VCV004083433.1).

ClinVar aggregate classification (germline): Pathogenic (1 of 4 stars; one submission).

Submission:

GeneDx
Classification: Pathogenic. Last evaluated: 2025-03-10. Review status: criteria provided, single submitter. Criteria: GeneDx Variant Classification Process June 2021. Collection method: clinical testing. Allele origin: germline. Affected: yes.
Comment: Not observed at significant frequency in large population cohorts (gnomAD); In silico analysis supports that this missense variant has a deleterious effect on protein structure/function; Has not been previously published as pathogenic or benign to our knowledge